The following is an entry in ClinVar:

NM_173076.3(ABCA12):c.4873A>G (p.Thr1625Ala)

Gene: ABCA12 (ATP binding cassette subfamily A member 12; minus strand). Cytogenetic location: 2q35.
Variant type: single nucleotide variant.
Coding change: c.4873A>G on transcript NM_173076.3 (MANE Select); coding-DNA position 4873, A replaced by G.
Protein change: p.Thr1625Ala; replaces threonine 1625 with alanine.
Molecular consequence: missense variant. On other transcripts: non-coding transcript variant (1).
Genome position (GRCh38, 1-based): chr2:214,978,908, T>C on the plus strand (A>G on the coding strand, the complement: ABCA12 is on the minus strand). VCF-style: chr2-214978908-T-C. GRCh37 (hg19) VCF-style: chr2-215843632-T-C.
Other names: c.3919A>G, p.Thr1307Ala (NM_015657.4); short protein forms T1307A, T1625A.
Identifiers: ClinVar variation 1049256 (VCV001049256.4), dbSNP rs553840038, ClinGen allele CA2091364.

ClinVar aggregate classification (germline): Likely benign. Review status: criteria provided, single submitter (1 of 4 stars). 2 submissions from 2 submitters: Likely benign (1). 1 of the submissions does not count toward it. Last evaluated 2024-02-04.

Allele frequency attached by ClinVar (database versions not stated): gnomAD 0.00002; gnomAD exomes 0.00002 and 0.00004; ExAC 0.00006; 1000 Genomes Project 30x 0.00016; 1000 Genomes Project 0.00020.
gnomAD v4.1: 25 of 1,614,054 alleles (0.0015%); highest among the groups gnomAD compares: South Asian, 0.027%; no homozygotes.

Submissions (2):

Labcorp Genetics (formerly Invitae), Labcorp
Classification: Likely benign. Last evaluated: 2024-02-04. Review status: criteria provided, single submitter. Criteria: Invitae Variant Classification Sherloc (09022015). Collection method: clinical testing. Allele origin: germline.

Department of Pathology and Laboratory Medicine, Sinai Health System
Classification: Uncertain significance. Review status: no assertion criteria provided. Collection method: clinical testing. Allele origin: unknown. Affected: yes. Study: The Canadian Open Genetics Repository (COGR). Not counted in ClinVar's aggregate classification.
Comment: The ABCA12 p.Thr1625Ala variant was not identified in the literature nor was it identified in ClinVar. The variant was identified in dbSNP (ID: rs553840038) and in control databases in 10 of 251064 chromosomes at a frequency of 0.00003983 (Genome Aggregation Database March 6, 2019, v2.1.1). The variant was observed in the South Asian population in 10 of 30614 chromosomes (freq: 0.000327), but was not observed in the African, Latino, Ashkenazi Jewish, East Asian, European (Finnish), European (non-Finnish), or Other populations. The p.Thr1625 residue is conserved in mammals and computational analyses (PolyPhen-2, SIFT, AlignGVGD, BLOSUM, MutationTaster) provide inconsistent predictions regarding the impact to the protein; this information is not very predictive of pathogenicity. The variant occurs outside of the splicing consensus sequence and in silico or computational prediction software programs (SpliceSiteFinder, MaxEntScan, NNSPLICE, GeneSplicer) do not predict a difference in splicing. In summary, based on the above information the clinical significance of this variant cannot be determined with certainty at this time. This variant is classified as a variant of uncertain significance.